The following is an entry in ClinVar:

NM_004369.4(COL6A3):c.2575C>G (p.Leu859Val)

Gene: COL6A3 (collagen type VI alpha 3 chain; minus strand). Cytogenetic location: 2q37.3.
Variant type: single nucleotide variant.
Coding change: c.2575C>G on transcript NM_004369.4 (MANE Select); coding-DNA position 2575, C replaced by G.
Protein change: p.Leu859Val; replaces leucine 859 with valine.
Molecular consequence: missense variant.
Genome position (GRCh38, 1-based): chr2:237,377,267, G>C on the plus strand (C>G on the coding strand, the complement: COL6A3 is on the minus strand). VCF-style: chr2-237377267-G-C. GRCh37 (hg19) VCF-style: chr2-238285910-G-C.
Other names: c.1354C>G, p.Leu452Val (NM_057164.5); c.1957C>G, p.Leu653Val (NM_057165.5, NM_057167.4); c.754C>G, p.Leu252Val (NM_057166.5); short protein forms L252V, L452V, L653V, L859V.
Identifiers: ClinVar variation 861744 (VCV000861744.10), dbSNP rs570233756, ClinGen allele CA351211219.

ClinVar aggregate classification (germline): Uncertain significance (1 of 4 stars; one submission).

Conditions:
Bethlem myopathy 1A. Also called: MYOPATHY, BENIGN CONGENITAL, WITH CONTRACTURES; Bethlem myopathy 1; Bethlem Muscular Dystrophy. Identifiers: Orphanet 610, MedGen CN029274, MONDO:0024530, OMIM 158810.

gnomAD v4.1: 1 of 1,607,726 alleles (0.000062%); highest among the groups gnomAD compares: Non-Finnish European, 0.000085%; no homozygotes.

Submission:

Labcorp Genetics (formerly Invitae), Labcorp
Classification: Uncertain significance for Bethlem myopathy 1A. Last evaluated: 2025-12-15. Review status: criteria provided, single submitter. Criteria: Invitae Variant Classification Sherloc (09022015). Collection method: clinical testing. Allele origin: germline.
Comment: This sequence change replaces leucine, which is neutral and non-polar, with valine, which is neutral and non-polar, at codon 859 of the COL6A3 protein (p.Leu859Val). This variant is not present in population databases (gnomAD no frequency). This variant has not been reported in the literature in individuals affected with COL6A3-related conditions. ClinVar contains an entry for this variant (Variation ID: 861744). Invitae Evidence Modeling of protein sequence and biophysical properties (such as structural, functional, and spatial information, amino acid conservation, physicochemical variation, residue mobility, and thermodynamic stability) indicates that this missense variant is not expected to disrupt COL6A3 protein function with a negative predictive value of 80%. In summary, the available evidence is currently insufficient to determine the role of this variant in disease. Therefore, it has been classified as a Variant of Uncertain Significance.